The following is an entry in ClinVar:

ClinVar aggregate classification (germline): Pathogenic/Likely pathogenic. Review status: criteria provided, multiple submitters, no conflicts (2 of 4 stars). 3 submissions from 3 submitters: Pathogenic (1); Likely pathogenic (1). 1 of the submissions does not count toward it. Last evaluated 2025-02-19.

Conditions:
Cohen syndrome (COH1). Also called: PEPPER SYNDROME; Cutis verticis gyrata, retinitis pigmentosa, and sensorineural deafness. Identifiers: Orphanet 193, MedGen C0265223, MONDO:0008999, OMIM 216550.

Allele frequency attached by ClinVar (database versions not stated): gnomAD exomes below 0.00001; TOPMed below 0.00001.
gnomAD v4.1: 1 of 1,613,570 alleles (0.000062%); no homozygotes.

Submissions (3):

Labcorp Genetics (formerly Invitae), Labcorp
Classification: Pathogenic for Cohen syndrome. Last evaluated: 2025-02-19. Review status: criteria provided, single submitter. Criteria: Invitae Variant Classification Sherloc (09022015). Collection method: clinical testing. Allele origin: germline.
Comment: This sequence change affects an acceptor splice site in intron 47 of the VPS13B gene. It is expected to disrupt RNA splicing. Variants that disrupt the donor or acceptor splice site typically lead to a loss of protein function (PMID: 16199547), and loss-of-function variants in VPS13B are known to be pathogenic (PMID: 15141358, 16648375, 20461111). This variant is not present in population databases (gnomAD no frequency). Disruption of this splice site has been observed in individual(s) with Cohen syndrome (PMID: 15141358). ClinVar contains an entry for this variant (Variation ID: 56696). Algorithms developed to predict the effect of sequence changes on RNA splicing suggest that this variant may disrupt the consensus splice site. For these reasons, this variant has been classified as Pathogenic.

Natera, Inc.
Classification: Likely pathogenic for Cohen syndrome. Last evaluated: 2024-07-11. Review status: criteria provided, single submitter. Criteria: Natera Variant Classification Schema (03/2026). Collection method: clinical testing. Allele origin: germline.
Comment: The c.8697-2A>G variant in VPS13B is a canonical splice acceptor site variant predicted to affect pre-mRNA splicing, which may result in an abnormal transcript and altered protein product. This variant may result in a truncated or dysfunctional protein product. This variant is rare in the general population with a frequency below the threshold expected for the associated phenotype(s). This variant has been observed in one or more individuals affected with the associated recessive disease, as either homozygous or compound heterozygous with a second variant (PMID: 32384097, 15141358). Additionally, this variant has been observed to segregate in affected family members (PMID: 15141358). Given the available evidence, this variant is classified as Likely Pathogenic.

Juha Muilu Group; Institute for Molecular Medicine Finland (FIMM)
Classification: Likely pathogenic for Cohen syndrome. Review status: no assertion criteria provided. Collection method: not provided. Allele origin: unknown. Not counted in ClinVar's aggregate classification.
Comment: FinDis database variant: This variant was not found or characterized by our laboratory, data were collected from public sources: see reference
ClinVar note: Converted during submission from probable-pathogenic to Likely pathogenic.

Literature cited by the submitters: PubMed 16199547 (cited by Labcorp Genetics (formerly Invitae), Labcorp); PubMed 15141358 (cited by Labcorp Genetics (formerly Invitae), Labcorp and Natera, Inc.); PubMed 16648375 (cited by Labcorp Genetics (formerly Invitae), Labcorp); PubMed 20461111 (cited by Labcorp Genetics (formerly Invitae), Labcorp); PubMed 32384097 (cited by Natera, Inc.).

NM_152564.5(VPS13B):c.8622-2A>G

Gene: VPS13B (vacuolar protein sorting 13 homolog B; plus strand). Cytogenetic location: 8q22.2.
Variant type: single nucleotide variant.
Coding change: c.8622-2A>G on transcript NM_152564.5 (MANE Select); the canonical splice acceptor site of the intron before coding-DNA position 8622, A replaced by G.
Molecular consequence: splice acceptor variant.
Genome position (GRCh38, 1-based): chr8:99,819,410, A>G. VCF-style: chr8-99819410-A-G. GRCh37 (hg19) VCF-style: chr8-100831638-A-G.
Other names: c.8697-2A>G (NM_017890.5).
Identifiers: ClinVar variation 56696 (VCV000056696.9), dbSNP rs386834115, ClinGen allele CA264149.
Genomic context (GRCh38, chr8:99,819,410, plus strand): 5'-ATAAATTATATACCACTTTAGAAATCTGATAATTATTCTTGGTTTTTATTTCAATTTCCT[A>G]GAGAAGAATATGATCCTTCAGATTGTGCAGTTCCCATCTCAACATCCCTCATTAAGCAAA-3'